The following is an entry in ClinVar:

NM_000132.4(F8):c.2113+472_2113+473del

Gene: F8 (coagulation factor VIII; minus strand). Cytogenetic location: Xq28.
Variant type: Deletion.
Coding change: c.2113+472_2113+473del on transcript NM_000132.4 (MANE Select); bases 472 to 473 of the intron after coding-DNA position 2113, 2 bases deleted (TT; older notation c.2113+472_2113+473delTT).
Molecular consequence: intron variant.
Genome position (GRCh38, 1-based): chrX:154,947,225-154,947,226, AA deleted on the plus strand (TT on the coding strand, the reverse complement: F8 is on the minus strand); deleting any 2 consecutive bases within chrX:154,947,225-154,947,249 gives the same sequence; the c. name uses the placement nearest the transcript's 3' end. VCF-style (leftmost placement, unchanged base first): chrX-154947224-GAA-G. GRCh37 (hg19) VCF-style: chrX-154175499-GAA-G.
Identifiers: ClinVar variation 3028957 (VCV003028957.2), dbSNP rs781928603, ClinGen allele CA873349986.

ClinVar aggregate classification (germline): Likely benign (0 of 4 stars; one submission).

Conditions:
F8-related disorder. Also called: F8-related condition.

Submission:

PreventionGenetics, part of Exact Sciences
Classification: Likely benign for F8-related condition. Last evaluated: 2023-09-08. Review status: no assertion criteria provided. Collection method: clinical testing. Allele origin: germline.
Comment: This variant is classified as likely benign based on ACMG/AMP sequence variant interpretation guidelines (Richards et al. 2015 PMID: 25741868, with internal and published modifications).